The following is an entry in ClinVar:

NM_001376.5(DYNC1H1):c.2868+2T>G

Gene: DYNC1H1 (dynein cytoplasmic 1 heavy chain 1; plus strand). Cytogenetic location: 14q32.31.
Variant type: single nucleotide variant.
Coding change: c.2868+2T>G on transcript NM_001376.5 (MANE Select); the canonical splice donor site of the intron after coding-DNA position 2868, T replaced by G.
Molecular consequence: splice donor variant.
Genome position (GRCh38, 1-based): chr14:101,988,854, T>G. VCF-style: chr14-101988854-T-G. GRCh37 (hg19) VCF-style: chr14-102455191-T-G.
Identifiers: ClinVar variation 4736563 (VCV004736563.1).
Genomic context (GRCh38, chr14:101,988,854, plus strand): 5'-ACATGGACACAGATGCTCCACAAGTTAGTCACAAGCCTGGTGGAGAGCCAAAGATCAAAG[T>G]GAGTGCTTCTGTGGCATTCTATTTACTAATAAGTGAAATAACAAAACTCTCTCGTTAAAA-3'

ClinVar aggregate classification (germline): Uncertain significance (1 of 4 stars; one submission).

Conditions:
Charcot-Marie-Tooth disease axonal type 2O. Also called: Charcot-Marie-Tooth disease, axonal, type 20; CHARCOT-MARIE-TOOTH NEUROPATHY, AXONAL, TYPE 2O; CHARCOT-MARIE-TOOTH DISEASE, AXONAL, AUTOSOMAL DOMINANT, TYPE 2O; Charcot-Marie-Tooth Neuropathy Type 2O. Identifiers: Orphanet 284232, MedGen C3280220, MONDO:0013644, OMIM 614228.

Submission:

Labcorp Genetics (formerly Invitae), Labcorp
Classification: Uncertain significance for Charcot-Marie-Tooth disease axonal type 2O. Last evaluated: 2026-02-02. Review status: criteria provided, single submitter. Criteria: Invitae Variant Classification Sherloc (09022015). Collection method: clinical testing. Allele origin: germline.
Comment: This sequence change affects a donor splice site in intron 10 of the DYNC1H1 gene. It is expected to disrupt RNA splicing. Variants that disrupt the donor or acceptor splice site typically lead to a loss of protein function (PMID: 16199547), however the current clinical and genetic evidence is not sufficient to establish whether loss-of-function variants in DYNC1H1 cause disease. This variant is not present in population databases (gnomAD no frequency). This variant has not been reported in the literature in individuals affected with DYNC1H1-related conditions. Algorithms developed to predict the effect of sequence changes on RNA splicing suggest that this variant may disrupt the consensus splice site. In summary, the available evidence is currently insufficient to determine the role of this variant in disease. Therefore, it has been classified as a Variant of Uncertain Significance.

Literature cited by the submitters: PubMed 16199547.